The following is an entry in ClinVar:

ClinVar aggregate classification (germline): Uncertain significance (1 of 4 stars; one submission).

Conditions:
POLR1D-related disorder. Also called: POLR1D-related condition.

Submission:

PreventionGenetics, part of Exact Sciences
Classification: Uncertain significance for POLR1D-related condition. Last evaluated: 2025-04-03. Review status: criteria provided, single submitter. Criteria: ACMG Guidelines, 2015. Collection method: clinical testing. Allele origin: germline.
Comment: The POLR1D c.54G>C variant is predicted to result in the amino acid substitution p.Met18Ile. To our knowledge, this variant has not been reported in the literature. This variant is reported in 0.0062% of alleles in individuals of African descent in gnomAD. At this time, the clinical significance of this variant is uncertain due to the absence of conclusive functional and genetic evidence.

NM_015972.4(POLR1D):c.54G>C (p.Met18Ile)

Genes: POLR1D (RNA polymerase I and III subunit D; plus strand), LOC147380392 (uncharacterized LOC147380392; plus strand). Cytogenetic location: 13q12.2.
Variant type: single nucleotide variant.
Coding change: c.54G>C on transcript NM_015972.4 (MANE Select); coding-DNA position 54, G replaced by C.
Protein change: p.Met18Ile; replaces methionine 18 with isoleucine.
Molecular consequence: missense variant. On other transcripts: intron variant (2).
Genome position (GRCh38, 1-based): chr13:27,622,902, G>C. VCF-style: chr13-27622902-G-C. GRCh37 (hg19) VCF-style: chr13-28197039-G-C.
Other names: c.54G>C, p.Met18Ile (NM_001374407.1); c.-59+1762G>C (NM_001206559.2); c.26+893G>C (NM_152705.3); short protein forms M18I.
Identifiers: ClinVar variation 4997447 (VCV004997447.1).